The following is an entry in ClinVar:

NM_001042492.3(NF1):c.3635T>G (p.Val1212Gly)

Gene: NF1 (neurofibromin 1; plus strand). Cytogenetic location: 17q11.2.
Variant type: single nucleotide variant.
Coding change: c.3635T>G on transcript NM_001042492.3 (MANE Select); coding-DNA position 3635, T replaced by G.
Protein change: p.Val1212Gly; replaces valine 1212 with glycine.
Molecular consequence: missense variant.
Genome position (GRCh38, 1-based): chr17:31,233,140, T>G. VCF-style: chr17-31233140-T-G. GRCh37 (hg19) VCF-style: chr17-29560158-T-G.
Other names: c.3635T>G, p.Val1212Gly (NM_000267.4); short protein forms V1212G.
Identifiers: ClinVar variation 3237744 (VCV003237744.2), dbSNP rs2151435647.

ClinVar aggregate classification (germline): Uncertain significance (1 of 4 stars; one submission).

Conditions:
Hereditary cancer-predisposing syndrome. Also called: Neoplastic Syndromes, Hereditary; Tumor predisposition; Hereditary neoplastic syndrome; Hereditary Cancer Syndrome. Identifiers: Orphanet 140162, MedGen C0027672, MeSH D009386, MONDO:0015356.
Cardiovascular phenotype. Identifiers: MedGen CN230736.

Submission:

Ambry Genetics
Classification: Uncertain significance for Cardiovascular phenotype; Hereditary cancer-predisposing syndrome. Last evaluated: 2025-12-02. Review status: criteria provided, single submitter. Criteria: Ambry Variant Classification Scheme 2023. Collection method: clinical testing. Allele origin: germline.
Comment: The p.V1212G variant (also known as c.3635T>G), located in coding exon 27 of the NF1 gene, results from a T to G substitution at nucleotide position 3635. The valine at codon 1212 is replaced by glycine, an amino acid with dissimilar properties. This amino acid position is highly conserved in available vertebrate species. In addition, this alteration is predicted to be deleterious by in silico analysis. Based on the available evidence, the clinical significance of this variant remains unclear.